The following is an entry in ClinVar:

ClinVar aggregate classification (germline): Uncertain significance (1 of 4 stars; one submission).

gnomAD v4.1: 1 of 1,613,836 alleles (0.000062%); highest among the groups gnomAD compares: Non-Finnish European, 0.000085%; no homozygotes.

Submission:

GeneDx
Classification: Uncertain significance. Last evaluated: 2023-07-19. Review status: criteria provided, single submitter. Criteria: GeneDx Variant Classification Process June 2021. Collection method: clinical testing. Allele origin: germline. Affected: yes.
Comment: In silico analysis supports that this missense variant has a deleterious effect on protein structure/function; Has not been previously published as pathogenic or benign to our knowledge

NM_000168.6(GLI3):c.4534G>A (p.Asp1512Asn)

Gene: GLI3 (GLI family zinc finger 3; minus strand). Cytogenetic location: 7p14.1.
Variant type: single nucleotide variant.
Coding change: c.4534G>A on transcript NM_000168.6 (MANE Select); coding-DNA position 4534, G replaced by A.
Protein change: p.Asp1512Asn; replaces aspartic acid 1512 with asparagine.
Molecular consequence: missense variant.
Genome position (GRCh38, 1-based): chr7:41,964,539, C>T on the plus strand (G>A on the coding strand, the complement: GLI3 is on the minus strand). VCF-style: chr7-41964539-C-T. GRCh37 (hg19) VCF-style: chr7-42004137-C-T.
Other names: short protein forms D1512N.
Identifiers: ClinVar variation 3361352 (VCV003361352.1).